The following is an entry in ClinVar:

NM_001127222.2(CACNA1A):c.337A>T (p.Ile113Phe)

Gene: CACNA1A (calcium voltage-gated channel subunit alpha1 A; minus strand). Cytogenetic location: 19p13.13.
Variant type: single nucleotide variant.
Coding change: c.337A>T on transcript NM_001127222.2 (MANE Select); coding-DNA position 337, A replaced by T.
Protein change: p.Ile113Phe; replaces isoleucine 113 with phenylalanine.
Molecular consequence: missense variant.
Genome position (GRCh38, 1-based): chr19:13,455,169, T>A on the plus strand (A>T on the coding strand, the complement: CACNA1A is on the minus strand). VCF-style: chr19-13455169-T-A. GRCh37 (hg19) VCF-style: chr19-13565983-T-A.
Other names: c.337A>T, p.Ile113Phe (NM_000068.4, NM_001127221.2, NM_001174080.2 and 1 more transcripts); short protein forms I113F.
Identifiers: ClinVar variation 2173429 (VCV002173429.4), dbSNP rs746955115, ClinGen allele CA404967873.
Genomic context (GRCh38, chr19:13,455,169, plus strand): 5'-GCCGTTCAGACATCGGGGTCTTGTCATCATCAGGCAGATGCTGCTCCAGTGCGAGGACGA[T>A]GCAATTCGCTATGATGGTGGCTAAAATCATATATTCAAAGGGAGTATTGGGGAATTAAGG-3'
Protein context (NP_001120694.1, residues 103-123): MILATIIANC[Ile113Phe]VLALEQHLPD

ClinVar aggregate classification (germline): Uncertain significance (1 of 4 stars; one submission).

Conditions:
Developmental and epileptic encephalopathy, 42 (DEE42A). Also called: DEVELOPMENTAL AND EPILEPTIC ENCEPHALOPATHY 42A; EPILEPTIC ENCEPHALOPATHY, EARLY INFANTILE, 42A; Epileptic encephalopathy, early infantile, 42. Identifiers: MedGen C4310716, MONDO:0014917, OMIM 617106.
Episodic ataxia type 2 (EA2). Also called: ATAXIA, EPISODIC, WITH NYSTAGMUS; ATAXIA, FAMILIAL PAROXYSMAL; CEREBELLAR ATAXIA, PAROXYSMAL, ACETAZOLAMIDE-RESPONSIVE; CEREBELLOPATHY, HEREDITARY PAROXYSMAL; EPISODIC ATAXIA, NYSTAGMUS-ASSOCIATED; ACETAZOLAMIDE-RESPONSIVE HEREDITARY PAROXYSMAL CEREBELLAR ATAXIA. Identifiers: Orphanet 97, MedGen C1720416, MONDO:0007163, OMIM 108500.

gnomAD v4.1: 1 of 1,612,668 alleles (0.000062%); highest among the groups gnomAD compares: Non-Finnish European, 0.000085%; no homozygotes.

Submission:

Labcorp Genetics (formerly Invitae), Labcorp
Classification: Uncertain significance for Developmental and epileptic encephalopathy, 42; Episodic ataxia type 2. Last evaluated: 2022-08-15. Review status: criteria provided, single submitter. Criteria: Invitae Variant Classification Sherloc (09022015). Collection method: clinical testing. Allele origin: germline.
Comment: This sequence change replaces isoleucine, which is neutral and non-polar, with phenylalanine, which is neutral and non-polar, at codon 113 of the CACNA1A protein (p.Ile113Phe). This variant is not present in population databases (gnomAD no frequency). This variant has not been reported in the literature in individuals affected with CACNA1A-related conditions. Algorithms developed to predict the effect of missense changes on protein structure and function are either unavailable or do not agree on the potential impact of this missense change (SIFT: "Deleterious"; PolyPhen-2: "Probably Damaging"; Align-GVGD: "Class C0"). In summary, the available evidence is currently insufficient to determine the role of this variant in disease. Therefore, it has been classified as a Variant of Uncertain Significance.